The following is an entry in ClinVar:

NM_006846.4(SPINK5):c.2383G>A (p.Val795Ile)

Gene: SPINK5 (serine peptidase inhibitor Kazal type 5; plus strand). Cytogenetic location: 5q32.
Variant type: single nucleotide variant.
Coding change: c.2383G>A on transcript NM_006846.4 (MANE Select); coding-DNA position 2383, G replaced by A.
Protein change: p.Val795Ile; replaces valine 795 with isoleucine.
Molecular consequence: missense variant.
Genome position (GRCh38, 1-based): chr5:148,120,078, G>A. VCF-style: chr5-148120078-G-A. GRCh37 (hg19) VCF-style: chr5-147499641-G-A.
Other names: c.2383G>A, p.Val795Ile (NM_001127698.2, NM_001127699.2); short protein forms V795I.
Identifiers: ClinVar variation 1026073 (VCV001026073.9), dbSNP rs1754210917, ClinGen allele CA361646292.

ClinVar aggregate classification (germline): Uncertain significance (1 of 4 stars; one submission).

Conditions:
Ichthyosis linearis circumflexa. Identifiers: MedGen C0265962, MONDO:0043106, HP:0025810.

Submission:

Labcorp Genetics (formerly Invitae), Labcorp
Classification: Uncertain significance for Ichthyosis linearis circumflexa. Last evaluated: 2020-04-14. Review status: criteria provided, single submitter. Criteria: Invitae Variant Classification Sherloc (09022015). Collection method: clinical testing. Allele origin: germline.
Comment: This sequence change replaces valine with isoleucine at codon 795 of the SPINK5 protein (p.Val795Ile). The valine residue is moderately conserved and there is a small physicochemical difference between valine and isoleucine. This variant is not present in population databases (ExAC no frequency). This variant has not been reported in the literature in individuals with SPINK5-related conditions. Algorithms developed to predict the effect of missense changes on protein structure and function are either unavailable or do not agree on the potential impact of this missense change (SIFT: "Tolerated"; PolyPhen-2: "Possibly Damaging"; Align-GVGD: "Class C0"). In summary, the available evidence is currently insufficient to determine the role of this variant in disease. Therefore, it has been classified as a Variant of Uncertain Significance.